The following is an entry in ClinVar:

ClinVar aggregate classification (germline): Uncertain significance. Review status: criteria provided, multiple submitters, no conflicts (2 of 4 stars). 2 submissions from 2 submitters: Uncertain significance (2). Last evaluated 2025-04-01.

Conditions:
Generalized epilepsy-paroxysmal dyskinesia syndrome (PNKD3). Also called: Generalized epilepsy and paroxysmal dyskinesia; Paroxysmal nonkinesigenic dyskinesia, 3, with or without generalized epilepsy. Identifiers: Orphanet 79137, MedGen C5574945, MONDO:0012276, OMIM 609446.

Allele frequency attached by ClinVar (database versions not stated): ExAC 0.00001; gnomAD 0.00001; gnomAD exomes 0.00001; TOPMed 0.00001.
gnomAD v4.1: 11 of 1,613,840 alleles (0.00068%); highest among the groups gnomAD compares: South Asian, 0.0055%; no homozygotes.

Submissions (2):

Labcorp Genetics (formerly Invitae), Labcorp
Classification: Uncertain significance for Generalized epilepsy-paroxysmal dyskinesia syndrome. Last evaluated: 2025-04-01. Review status: criteria provided, single submitter. Criteria: Invitae Variant Classification Sherloc (09022015). Collection method: clinical testing. Allele origin: germline.
Comment: This sequence change replaces valine, which is neutral and non-polar, with isoleucine, which is neutral and non-polar, at codon 779 of the KCNMA1 protein (p.Val779Ile). This variant is present in population databases (rs752871117, gnomAD 0.003%). This variant has not been reported in the literature in individuals affected with KCNMA1-related conditions. ClinVar contains an entry for this variant (Variation ID: 2139050). Invitae Evidence Modeling of protein sequence and biophysical properties (such as structural, functional, and spatial information, amino acid conservation, physicochemical variation, residue mobility, and thermodynamic stability) indicates that this missense variant is not expected to disrupt KCNMA1 protein function with a negative predictive value of 80%. In summary, the available evidence is currently insufficient to determine the role of this variant in disease. Therefore, it has been classified as a Variant of Uncertain Significance.

Blueprint Genetics
Classification: Uncertain significance. Last evaluated: 2021-11-05. Review status: criteria provided, single submitter. Criteria: ACMG Guidelines, 2015. Collection method: clinical testing. Allele origin: germline.

NM_001161352.2(KCNMA1):c.2509G>A (p.Val837Ile)

Genes: KCNMA1-AS1 (KCNMA1 antisense RNA 1; plus strand), KCNMA1 (potassium calcium-activated channel subfamily M alpha 1; minus strand). Cytogenetic location: 10q22.3.
Variant type: single nucleotide variant.
Coding change: c.2509G>A on transcript NM_001161352.2 (MANE Select); coding-DNA position 2509, G replaced by A.
Protein change: p.Val837Ile; replaces valine 837 with isoleucine.
Molecular consequence: missense variant.
Genome position (GRCh38, 1-based): chr10:76,949,342, C>T on the plus strand (G>A on the coding strand, the complement: KCNMA1 is on the minus strand). VCF-style: chr10-76949342-C-T. GRCh37 (hg19) VCF-style: chr10-78709100-C-T.
Other names: c.2347G>A, p.Val783Ile (NM_001014797.3, NM_001322835.2, NM_001322837.2); c.2458G>A, p.Val820Ile (NM_001161353.2); c.2185G>A, p.Val729Ile (NM_001271518.2); c.2344G>A, p.Val782Ile (NM_001271519.2, NM_001322829.2, NM_001322836.2); c.2356G>A, p.Val786Ile (NM_001322830.2); c.2335G>A, p.Val779Ile (NM_001322832.2, NM_001410940.1, NM_002247.4); c.1882G>A, p.Val628Ile (NM_001322838.2); short protein forms V782I, V786I, V729I, V783I, V820I, V779I, V837I, V628I.
Identifiers: ClinVar variation 2139050 (VCV002139050.5), dbSNP rs752871117, ClinGen allele CA5568046.
Genomic context (GRCh38, chr10:76,949,342, plus strand): 5'-GGCCGATCAGGGCTGAGCTGACGTCGCCAAAGATGCAGACCACGACATGGCCACTCAGGA[C>T]GGTCATGGCAGCTTCACTTCGAGTCTACAACAGGGAGAAGTGGGTAAGAGTCAGAGAGAA-3'
Protein context (NP_001154824.1, residues 827-847): ILTRSEAAMT[Val837Ile]LSGHVVVCIF